The following is an entry in ClinVar:

NM_020461.4(TUBGCP6):c.1314del (p.Arg438fs)

Gene: TUBGCP6 (tubulin gamma complex component 6; minus strand). Cytogenetic location: 22q13.33.
Variant type: Deletion.
Coding change: c.1314del on transcript NM_020461.4 (MANE Select); coding-DNA position 1314, one base deleted (G; older notation c.1314delG).
Protein change: p.Arg438fs; shifts the reading frame from arginine 438.
Molecular consequence: frameshift variant.
Genome position (GRCh38, 1-based): chr22:50,228,005, C deleted on the plus strand (G on the coding strand, the reverse complement: TUBGCP6 is on the minus strand); the first of 2 consecutive C bases (chr22:50,228,005-50,228,006); deleting either gives the same sequence. VCF-style (leftmost placement, unchanged base first): chr22-50228004-AC-A. GRCh37 (hg19) VCF-style: chr22-50666433-AC-A.
Other names: short protein forms R438fs.
Identifiers: ClinVar variation 817796 (VCV000817796.1), dbSNP rs1427049971, ClinGen allele CA915951505.

ClinVar aggregate classification (germline): Likely pathogenic (1 of 4 stars; one submission).

Submission:

GeneDx
Classification: Likely pathogenic. Last evaluated: 2018-08-22. Review status: criteria provided, single submitter. Criteria: GeneDx Variant Classification (06012015). Collection method: clinical testing. Allele origin: germline. Affected: yes.
Comment: The c.1314delG variant in the TUBGCP6 gene has not been reported previously as a pathogenic variant nor as a benign variant, to our knowledge. The c.1314delG variant causes a frameshift starting with codon Arginine 438, changes this amino acid to a Serine residue, and creates a premature Stop codon at position 17 of the new reading frame, denoted p.Arg438SerfsX17. This variant is predicted to cause loss of normal protein function either through protein truncation or nonsense-mediated mRNA decay. The c.1314delG variant is not observed in large population cohorts (Lek et al., 2016). We interpret c.1314delG as a likely pathogenic variant.